The following is an entry in ClinVar:

ClinVar aggregate classification (germline): Uncertain significance (1 of 4 stars; one submission).

gnomAD v4.1: 8 of 1,591,424 alleles (0.0005%); highest among the groups gnomAD compares: Non-Finnish European, 0.0006%; no homozygotes.

Submission:

Labcorp Genetics (formerly Invitae), Labcorp
Classification: Uncertain significance. Last evaluated: 2024-01-07. Review status: criteria provided, single submitter. Criteria: Invitae Variant Classification Sherloc (09022015). Collection method: clinical testing. Allele origin: germline.
Comment: This sequence change replaces cysteine, which is neutral and slightly polar, with arginine, which is basic and polar, at codon 92 of the CAD protein (p.Cys92Arg). This variant is not present in population databases (gnomAD no frequency). This variant has not been reported in the literature in individuals affected with CAD-related conditions. Advanced modeling of protein sequence and biophysical properties (such as structural, functional, and spatial information, amino acid conservation, physicochemical variation, residue mobility, and thermodynamic stability) performed at Invitae indicates that this missense variant is not expected to disrupt CAD protein function with a negative predictive value of 80%. In summary, the available evidence is currently insufficient to determine the role of this variant in disease. Therefore, it has been classified as a Variant of Uncertain Significance.

NM_004341.5(CAD):c.274T>C (p.Cys92Arg)

Gene: CAD (carbamoyl-phosphate synthetase 2, aspartate transcarbamylase, and dihydroorotase; plus strand). Cytogenetic location: 2p23.3.
Variant type: single nucleotide variant.
Coding change: c.274T>C on transcript NM_004341.5 (MANE Select); coding-DNA position 274, T replaced by C.
Protein change: p.Cys92Arg; replaces cysteine 92 with arginine.
Molecular consequence: missense variant.
Genome position (GRCh38, 1-based): chr2:27,221,269, T>C. VCF-style: chr2-27221269-T-C. GRCh37 (hg19) VCF-style: chr2-27444137-T-C.
Other names: c.274T>C, p.Cys92Arg (NM_001306079.2); short protein forms C92R.
Identifiers: ClinVar variation 3604048 (VCV003604048.1).